The following is an entry in ClinVar:

ClinVar aggregate classification (germline): Uncertain significance (1 of 4 stars; one submission).

Conditions:
Catecholaminergic polymorphic ventricular tachycardia (CVPT). Also called: Catecholamine-induced polymorphic ventricular tachycardia. Identifiers: Orphanet 3286, MedGen C5574922, MONDO:0017990.

Submission:

All of Us Research Program, National Institutes of Health
Classification: Uncertain significance for Catecholaminergic polymorphic ventricular tachycardia. Last evaluated: 2023-04-27. Review status: criteria provided, single submitter. Criteria: ACMG Guidelines, 2015. Collection method: clinical testing. Allele origin: germline. Inheritance: Autosomal dominant inheritance. Observed: 2 variant alleles, 2 heterozygotes.
Comment: This study involves interpretation of variants in research participants for the purpose of population health screening. Participant phenotype was not available at the time of variant classification. Additional details can be found in publication PMID: 35346344, PMCID: PMC8962531

NM_001035.3(RYR2):c.6456C>G (p.Asn2152Lys)

Gene: RYR2 (ryanodine receptor 2; plus strand). Cytogenetic location: 1q43.
Variant type: single nucleotide variant.
Coding change: c.6456C>G on transcript NM_001035.3 (MANE Select); coding-DNA position 6456, C replaced by G.
Protein change: p.Asn2152Lys; replaces asparagine 2152 with lysine.
Molecular consequence: missense variant.
Genome position (GRCh38, 1-based): chr1:237,631,442, C>G. VCF-style: chr1-237631442-C-G. GRCh37 (hg19) VCF-style: chr1-237794742-C-G.
Other names: short protein forms N2152K.
Identifiers: ClinVar variation 3069736 (VCV003069736.1), dbSNP rs1680240300, ClinGen allele CA345412202.